The following is an entry in ClinVar:

ClinVar aggregate classification (germline): Uncertain significance. Review status: criteria provided, multiple submitters, no conflicts (2 of 4 stars). 2 submissions from 2 submitters: Uncertain significance (2). Last evaluated 2025-12-16.

Conditions:
Gingival disorder. Also called: Gingival disease. Identifiers: MedGen C0017563, MONDO:0002021.

Allele frequency attached by ClinVar (database versions not stated): gnomAD exomes below 0.00001 and 0.00001; TOPMed below 0.00001; gnomAD 0.00001.
gnomAD v4.1: 9 of 1,613,780 alleles (0.00056%); highest among the groups gnomAD compares: Middle Eastern, 0.016%; no homozygotes.

Submissions (2):

Labcorp Genetics (formerly Invitae), Labcorp
Classification: Uncertain significance for Gingival disorder. Last evaluated: 2025-12-16. Review status: criteria provided, single submitter. Criteria: Invitae Variant Classification Sherloc (09022015). Collection method: clinical testing. Allele origin: germline.
Comment: This sequence change replaces threonine, which is neutral and polar, with isoleucine, which is neutral and non-polar, at codon 339 of the FPR1 protein (p.Thr339Ile). This variant is present in population databases (no rsID available, gnomAD 0.01%). This variant has not been reported in the literature in individuals affected with FPR1-related conditions. ClinVar contains an entry for this variant (Variation ID: 1480296). An algorithm developed to predict the effect of missense changes on protein structure and function (PolyPhen-2) suggests that this variant is likely to be tolerated. In summary, the available evidence is currently insufficient to determine the role of this variant in disease. Therefore, it has been classified as a Variant of Uncertain Significance.

Ambry Genetics
Classification: Uncertain significance. Last evaluated: 2025-08-26. Review status: criteria provided, single submitter. Criteria: Ambry Variant Classification Scheme 2023. Collection method: clinical testing. Allele origin: germline.

NM_002029.4(FPR1):c.1016C>T (p.Thr339Ile)

Gene: FPR1 (formyl peptide receptor 1; minus strand). Cytogenetic location: 19q13.41.
Variant type: single nucleotide variant.
Coding change: c.1016C>T on transcript NM_002029.4 (MANE Select); coding-DNA position 1016, C replaced by T.
Protein change: p.Thr339Ile; replaces threonine 339 with isoleucine.
Molecular consequence: missense variant.
Genome position (GRCh38, 1-based): chr19:51,745,979, G>A on the plus strand (C>T on the coding strand, the complement: FPR1 is on the minus strand). VCF-style: chr19-51745979-G-A. GRCh37 (hg19) VCF-style: chr19-52249232-G-A.
Other names: c.1016C>T (NM_002029.3); c.1016C>T, p.Thr339Ile (NM_001193306.2); short protein forms T339I.
Identifiers: ClinVar variation 1480296 (VCV001480296.7), dbSNP rs1232982137, ClinGen allele CA407114855.